The following is an entry in ClinVar:

ClinVar aggregate classification (germline): Uncertain significance (1 of 4 stars; one submission).

Allele frequency attached by ClinVar (database versions not stated): gnomAD exomes below 0.00001.
gnomAD v4.1: 2 of 1,614,014 alleles (0.00012%); highest among the groups gnomAD compares: Non-Finnish European, 0.00017%; no homozygotes.

Submission:

Labcorp Genetics (formerly Invitae), Labcorp
Classification: Uncertain significance. Last evaluated: 2022-07-17. Review status: criteria provided, single submitter. Criteria: Invitae Variant Classification Sherloc (09022015). Collection method: clinical testing. Allele origin: germline.
Comment: This variant is not present in population databases (gnomAD no frequency). This sequence change replaces glutamic acid, which is acidic and polar, with alanine, which is neutral and non-polar, at codon 298 of the ARNT2 protein (p.Glu298Ala). This variant has not been reported in the literature in individuals affected with ARNT2-related conditions. Algorithms developed to predict the effect of missense changes on protein structure and function are either unavailable or do not agree on the potential impact of this missense change (SIFT: "Deleterious"; PolyPhen-2: "Benign"; Align-GVGD: "Class C0"). In summary, the available evidence is currently insufficient to determine the role of this variant in disease. Therefore, it has been classified as a Variant of Uncertain Significance.

NM_014862.4(ARNT2):c.893A>C (p.Glu298Ala)

Gene: ARNT2 (aryl hydrocarbon receptor nuclear translocator 2; plus strand). Cytogenetic location: 15q25.1.
Variant type: single nucleotide variant.
Coding change: c.893A>C on transcript NM_014862.4 (MANE Select); coding-DNA position 893, A replaced by C.
Protein change: p.Glu298Ala; replaces glutamic acid 298 with alanine.
Molecular consequence: missense variant.
Genome position (GRCh38, 1-based): chr15:80,551,214, A>C. VCF-style: chr15-80551214-A-C. GRCh37 (hg19) VCF-style: chr15-80843555-A-C.
Other names: short protein forms E298A.
Identifiers: ClinVar variation 2086955 (VCV002086955.4), dbSNP rs2505212879, ClinGen allele CA393622331.